The following is an entry in ClinVar:

ClinVar aggregate classification (germline): Benign (1 of 4 stars; one submission).

Conditions:
Lynch syndrome 5 (LYNCH5). Also called: Colorectal cancer, hereditary nonpolyposis, type 5; Hereditary non-polyposis colorectal cancer, type 5. Identifiers: Orphanet 144, MedGen C1833477, MONDO:0013710, OMIM 614350. Disease mechanism: loss of function.

Submission:

Myriad Genetics, Inc.
Classification: Benign for Lynch syndrome 5. Last evaluated: 2025-01-08. Review status: criteria provided, single submitter. Criteria: Myriad Autosomal Dominant, Autosomal Recessive and X-Linked Classification Criteria (2023). Collection method: clinical testing. Allele origin: unknown.
Comment: This variant is considered benign. This variant is a silent/synonymous amino acid change and it is not expected to impact splicing.

NM_000179.3(MSH6):c.3897C>T (p.Gly1299=)

Gene: MSH6 (mutS homolog 6; plus strand). Cytogenetic location: 2p16.3.
Variant type: single nucleotide variant.
Coding change: c.3897C>T on transcript NM_000179.3 (MANE Select); coding-DNA position 3897, C replaced by T.
Protein change: p.Gly1299=; no amino-acid change (glycine 1299 retained).
Molecular consequence: synonymous variant. On other transcripts: missense variant (1), non-coding transcript variant (5), intron variant (1).
Genome position (GRCh38, 1-based): chr2:47,806,547, C>T. VCF-style: chr2-47806547-C-T. GRCh37 (hg19) VCF-style: chr2-48033686-C-T.
Other names: c.3507C>T, p.Gly1169= (NM_001281492.2); c.2991C>T, p.Gly997= (NM_001281493.2, NM_001281494.2, NM_001406811.1 and 6 more transcripts); c.3993C>T, p.Gly1331= (NM_001406795.1); c.3897C>T, p.Gly1299= (NM_001406796.1, NM_001406808.1, NM_001406809.1); c.3600C>T, p.Gly1200= (NM_001406797.1, NM_001406801.1, NM_001406805.1 and 10 more transcripts); c.3723C>T, p.Gly1241= (NM_001406798.1); c.3372C>T, p.Gly1124= (NM_001406799.1, NM_001406806.1, NM_001406807.1); c.3884C>T, p.Ala1295Val (NM_001406800.1); and 9 more; short protein forms A1295V.
Identifiers: ClinVar variation 3903784 (VCV003903784.1).